The following is an entry in ClinVar:

NM_000070.3(CAPN3):c.2180G>A (p.Trp727Ter)

Gene: CAPN3 (calpain 3; plus strand). Cytogenetic location: 15q15.1.
Variant type: single nucleotide variant.
Coding change: c.2180G>A on transcript NM_000070.3 (MANE Select); coding-DNA position 2180, G replaced by A.
Protein change: p.Trp727Ter; replaces tryptophan 727 with a stop codon.
Molecular consequence: nonsense.
Genome position (GRCh38, 1-based): chr15:42,410,492, G>A. VCF-style: chr15-42410492-G-A. GRCh37 (hg19) VCF-style: chr15-42702690-G-A.
Other names: c.2162G>A, p.Trp721Ter (NM_024344.2); c.1904G>A, p.Trp635Ter (NM_173087.2); c.644G>A, p.Trp215Ter (NM_173088.2); c.185G>A, p.Trp62Ter (NM_173089.2, NM_173090.2); short protein forms W62*, W727*, W215*, W635*, W721*.
Identifiers: ClinVar variation 4690879 (VCV004690879.1).

ClinVar aggregate classification (germline): Pathogenic (1 of 4 stars; one submission).

Conditions:
Autosomal recessive limb-girdle muscular dystrophy type 2A (LGMDR1). Also called: Limb-girdle muscular dystrophy, type 2A; Calpainopathy; LEYDEN-MOEBIUS MUSCULAR DYSTROPHY; MUSCULAR DYSTROPHY, PELVOFEMORAL; Muscular dystrophy, limb-girdle, type 2A, Amish. Identifiers: Orphanet 267, MedGen C1869123, MONDO:0009675, OMIM 253600. Disease mechanism: loss of function.

Submission:

Labcorp Genetics (formerly Invitae), Labcorp
Classification: Pathogenic for Autosomal recessive limb-girdle muscular dystrophy type 2A. Last evaluated: 2025-05-25. Review status: criteria provided, single submitter. Criteria: Invitae Variant Classification Sherloc (09022015). Collection method: clinical testing. Allele origin: germline.
Comment: This sequence change creates a premature translational stop signal (p.Trp727*) in the CAPN3 gene. It is expected to result in an absent or disrupted protein product. Loss-of-function variants in CAPN3 are known to be pathogenic (PMID: 10330340, 15689361). This variant is not present in population databases (gnomAD no frequency). This variant has not been reported in the literature in individuals affected with CAPN3-related conditions. For these reasons, this variant has been classified as Pathogenic.

Literature cited by the submitters: PubMed 10330340; PubMed 15689361.